The following is an entry in ClinVar:

NM_001271.4(CHD2):c.3843G>C (p.Trp1281Cys)

Gene: CHD2 (chromodomain helicase DNA binding protein 2; plus strand). Cytogenetic location: 15q26.1.
Variant type: single nucleotide variant.
Coding change: c.3843G>C on transcript NM_001271.4 (MANE Select); coding-DNA position 3843, G replaced by C.
Protein change: p.Trp1281Cys; replaces tryptophan 1281 with cysteine.
Molecular consequence: missense variant.
Genome position (GRCh38, 1-based): chr15:92,997,361, G>C. VCF-style: chr15-92997361-G-C. GRCh37 (hg19) VCF-style: chr15-93540591-G-C.
Other names: short protein forms W1281C.
Identifiers: ClinVar variation 3636685 (VCV003636685.2).

ClinVar aggregate classification (germline): Uncertain significance (1 of 4 stars; one submission).

Conditions:
Developmental and epileptic encephalopathy 94 (DEE94). Also called: Epileptic encephalopathy, childhood-onset; CHD2-Related Neurodevelopmental Disorders. Identifiers: Orphanet 1942, Orphanet 2382, MedGen C3809278, MONDO:0014150, OMIM 615369.

Submission:

Labcorp Genetics (formerly Invitae), Labcorp
Classification: Uncertain significance for Developmental and epileptic encephalopathy 94. Last evaluated: 2024-07-31. Review status: criteria provided, single submitter. Criteria: Invitae Variant Classification Sherloc (09022015). Collection method: clinical testing. Allele origin: germline.
Comment: This sequence change replaces tryptophan, which is neutral and slightly polar, with cysteine, which is neutral and slightly polar, at codon 1281 of the CHD2 protein (p.Trp1281Cys). This variant is not present in population databases (gnomAD no frequency). This variant has not been reported in the literature in individuals affected with CHD2-related conditions. Advanced modeling of protein sequence and biophysical properties (such as structural, functional, and spatial information, amino acid conservation, physicochemical variation, residue mobility, and thermodynamic stability) performed at Invitae indicates that this missense variant is expected to disrupt CHD2 protein function with a positive predictive value of 95%. In summary, the available evidence is currently insufficient to determine the role of this variant in disease. Therefore, it has been classified as a Variant of Uncertain Significance.